The following is an entry in ClinVar:

NM_001271938.2(MEGF8):c.8122C>A (p.Pro2708Thr)

Gene: MEGF8 (multiple EGF like domains 8; plus strand). Cytogenetic location: 19q13.2.
Variant type: single nucleotide variant.
Coding change: c.8122C>A on transcript NM_001271938.2 (MANE Select); coding-DNA position 8122, C replaced by A.
Protein change: p.Pro2708Thr; replaces proline 2708 with threonine.
Molecular consequence: missense variant.
Genome position (GRCh38, 1-based): chr19:42,376,359, C>A. VCF-style: chr19-42376359-C-A. GRCh37 (hg19) VCF-style: chr19-42880511-C-A.
Other names: c.7921C>A, p.Pro2641Thr (NM_001410.3); short protein forms P2641T, P2708T.
Identifiers: ClinVar variation 954762 (VCV000954762.11), dbSNP rs373293709, ClinGen allele CA9476320.

ClinVar aggregate classification (germline): Uncertain significance. Review status: criteria provided, multiple submitters, no conflicts (2 of 4 stars). 2 submissions from 2 submitters: Uncertain significance (2). Last evaluated 2021-12-27.

Conditions:
MEGF8-related Carpenter syndrome. Also called: Carpenter syndrome 2. Identifiers: Orphanet 65759, MedGen C3554247, MONDO:0013998, OMIM 614976.
Inborn genetic diseases. Identifiers: MedGen C0950123, MeSH D030342.

Allele frequency attached by ClinVar (database versions not stated): gnomAD exomes 0.00001; ExAC 0.00002; gnomAD 0.00006; ESP Exome Variant Server 0.00008; TOPMed 0.00010; 1000 Genomes Project 30x 0.00016; 1000 Genomes Project 0.00020.
gnomAD v4.1: 15 of 1,613,488 alleles (0.00093%); highest among the groups gnomAD compares: African/African-American, 0.019%; no homozygotes.

Submissions (2):

Labcorp Genetics (formerly Invitae), Labcorp
Classification: Uncertain significance for MEGF8-related Carpenter syndrome. Last evaluated: 2021-12-27. Review status: criteria provided, single submitter. Criteria: Invitae Variant Classification Sherloc (09022015). Collection method: clinical testing. Allele origin: germline.
Comment: Algorithms developed to predict the effect of missense changes on protein structure and function (SIFT, PolyPhen-2, Align-GVGD) all suggest that this variant is likely to be tolerated. ClinVar contains an entry for this variant (Variation ID: 954762). This variant has not been reported in the literature in individuals affected with MEGF8-related conditions. This variant is present in population databases (rs373293709, gnomAD 0.02%). This sequence change replaces proline, which is neutral and non-polar, with threonine, which is neutral and polar, at codon 2641 of the MEGF8 protein (p.Pro2641Thr). In summary, the available evidence is currently insufficient to determine the role of this variant in disease. Therefore, it has been classified as a Variant of Uncertain Significance.

Ambry Genetics
Classification: Uncertain significance for Inborn genetic diseases. Last evaluated: 2021-07-14. Review status: criteria provided, single submitter. Criteria: Ambry Variant Classification Scheme 2023. Collection method: clinical testing. Allele origin: germline.